The following is an entry in ClinVar:

ClinVar aggregate classification (germline): Uncertain significance (1 of 4 stars; one submission).

gnomAD v4.1: 1 of 1,606,422 alleles (0.000062%); highest among the groups gnomAD compares: Non-Finnish European, 0.000085%; no homozygotes.

Submission:

Ambry Genetics
Classification: Uncertain significance. Last evaluated: 2025-04-19. Review status: criteria provided, single submitter. Criteria: Ambry Variant Classification Scheme 2023. Collection method: clinical testing. Allele origin: germline.
Comment: The p.H153Y variant (also known as c.457C>T), located in coding exon 1 of the MC1R gene, results from a C to T substitution at nucleotide position 457. The histidine at codon 153 is replaced by tyrosine, an amino acid with similar properties. This amino acid position is conserved. In addition, the in silico prediction for this alteration is inconclusive. Based on the available evidence, the clinical significance of this variant remains unclear.

NM_002386.4(MC1R):c.457C>T (p.His153Tyr)

Gene: MC1R (melanocortin 1 receptor; plus strand). Cytogenetic location: 16q24.3.
Variant type: single nucleotide variant.
Coding change: c.457C>T on transcript NM_002386.4 (MANE Select); coding-DNA position 457, C replaced by T.
Protein change: p.His153Tyr; replaces histidine 153 with tyrosine.
Molecular consequence: missense variant.
Genome position (GRCh38, 1-based): chr16:89,919,715, C>T. VCF-style: chr16-89919715-C-T. GRCh37 (hg19) VCF-style: chr16-89986123-C-T.
Other names: short protein forms H153Y.
Identifiers: ClinVar variation 4052421 (VCV004052421.1).